The following is an entry in ClinVar:

NM_014795.4(ZEB2):c.2601G>A (p.Lys867=)

Gene: ZEB2 (zinc finger E-box binding homeobox 2; minus strand). Cytogenetic location: 2q22.3.
Variant type: single nucleotide variant.
Coding change: c.2601G>A on transcript NM_014795.4 (MANE Select); coding-DNA position 2601, G replaced by A.
Protein change: p.Lys867=; no amino-acid change (lysine 867 retained).
Molecular consequence: synonymous variant.
Genome position (GRCh38, 1-based): chr2:144,398,586, C>T on the plus strand (G>A on the coding strand, the complement: ZEB2 is on the minus strand). VCF-style: chr2-144398586-C-T. GRCh37 (hg19) VCF-style: chr2-145156153-C-T.
Other names: p.K867K:AAG>AAA; c.2529G>A, p.Lys843= (NM_001171653.2).
Identifiers: ClinVar variation 137951 (VCV000137951.17), dbSNP rs139369265, ClinGen allele CA291675.

ClinVar aggregate classification (germline): Benign/Likely benign. Review status: criteria provided, multiple submitters, no conflicts (2 of 4 stars). 5 submissions from 5 submitters: Benign (3); Likely benign (2). Last evaluated 2026-02-03.

Conditions:
Inborn genetic diseases. Identifiers: MedGen C0950123, MeSH D030342.
Mowat-Wilson syndrome (MOWS). Also called: Classic Mowat-Wilson Syndrome. Identifiers: Orphanet 2152, MedGen C1856113, MONDO:0009341, OMIM 235730.

Allele frequency attached by ClinVar (database versions not stated): gnomAD exomes 0.00002 and 0.00005; ExAC 0.00008; gnomAD 0.00028 and 0.00029; TOPMed 0.00029; 1000 Genomes Project 0.00040; ESP Exome Variant Server 0.00046; 1000 Genomes Project 30x 0.00047.
gnomAD v4.1: 72 of 1,614,184 alleles (0.0045%); highest among the groups gnomAD compares: African/African-American, 0.093%; no homozygotes.

Submissions (5):

Labcorp Genetics (formerly Invitae), Labcorp
Classification: Benign for Mowat-Wilson syndrome. Last evaluated: 2026-02-03. Review status: criteria provided, single submitter. Criteria: Invitae Variant Classification Sherloc (09022015). Collection method: clinical testing. Allele origin: germline.

Genome-Nilou Lab
Classification: Benign for Mowat-Wilson syndrome. Last evaluated: 2021-11-07. Review status: criteria provided, single submitter. Criteria: ACMG Guidelines, 2015. Collection method: clinical testing. Allele origin: germline. Affected: no.

Eurofins Ntd Llc (ga)
Classification: Likely benign. Last evaluated: 2017-11-01. Review status: criteria provided, single submitter. Criteria: EGL Classification Definitions 2015. Collection method: clinical testing. Allele origin: germline. Observed: 1 variant allele, 1 heterozygote.

Ambry Genetics
Classification: Likely benign for Inborn genetic diseases. Last evaluated: 2017-06-14. Review status: criteria provided, single submitter. Criteria: Ambry Variant Classification Scheme 2023. Collection method: clinical testing. Allele origin: germline.

GeneDx
Classification: Benign. Last evaluated: 2014-03-12. Review status: criteria provided, single submitter. Criteria: GeneDx Variant Classification (06012015). Collection method: clinical testing. Allele origin: germline. Affected: yes.
Comment: This variant is considered likely benign or benign based on one or more of the following criteria: it is a conservative change, it occurs at a poorly conserved position in the protein, it is predicted to be benign by multiple in silico algorithms, and/or has population frequency not consistent with disease.